The following is an entry in ClinVar:

ClinVar aggregate classification (germline): Uncertain significance (1 of 4 stars; one submission).

Conditions:
Ellis-van Creveld syndrome (EVC). Also called: MESOECTODERMAL DYSPLASIA; Chondroectodermal dysplasia; EVC-Related Ellis-van Creveld Syndrome; EVC2-Related Ellis-van Creveld Syndrome. Identifiers: Orphanet 289, MedGen C0013903, MONDO:0009162, OMIM 225500.
Curry-Hall syndrome (WAD). Also called: WEYERS ACRODENTAL DYSOSTOSIS. Identifiers: Orphanet 952, MedGen C0457013, MONDO:0008673, OMIM 193530.

Submission:

Labcorp Genetics (formerly Invitae), Labcorp
Classification: Uncertain significance for Curry-Hall syndrome; Ellis-van Creveld syndrome. Last evaluated: 2023-12-27. Review status: criteria provided, single submitter. Criteria: Invitae Variant Classification Sherloc (09022015). Collection method: clinical testing. Allele origin: unknown.
Comment: A copy number gain of the genomic region encompassing the full coding sequence of the EVC2 gene has been identified. The boundaries of this event are unknown as they extend beyond the assayed region for this gene and therefore may encompass additional genes. As the precise location of this event is unknown, it may be in tandem or it may be located elsewhere in the genome. This variant has not been reported in the literature in individuals affected with EVC2-related conditions. Experimental studies and prediction algorithms are not available or were not evaluated, and the functional significance of this variant is currently unknown. In summary, the available evidence is currently insufficient to determine the role of this variant in disease. Therefore, it has been classified as a Variant of Uncertain Significance.

NC_000004.11:g.(?_5564575)_(5735182_?)dup

Genes: EVC (EvC ciliary complex subunit 1; plus strand), EVC2 (EvC ciliary complex subunit 2; minus strand). Cytogenetic location: 4p16.2.
Variant type: Duplication.
Identifiers: ClinVar variation 3246631 (VCV003246631.1).